The following is an entry in ClinVar:

ClinVar aggregate classification (germline): Conflicting classifications of pathogenicity. Review status: criteria provided, conflicting classifications (1 of 4 stars). 3 submissions from 3 submitters: Uncertain significance (1); Likely benign (2). Last evaluated 2024-12-29.

Conditions:
Agammaglobulinemia 8b, autosomal recessive. Also called: AGAMMAGLOBULINEMIA, AUTOSOMAL RECESSIVE, DUE TO TCF3 DEFECT. Identifiers: MedGen C5676958, MONDO:0859234, OMIM 619824.
Inborn genetic diseases. Identifiers: MedGen C0950123, MeSH D030342.

Allele frequency attached by ClinVar (database versions not stated): gnomAD exomes 0.00002; ExAC 0.00003.

Submissions (3):

Ambry Genetics
Classification: Likely benign for Inborn genetic diseases. Last evaluated: 2024-12-29. Review status: criteria provided, single submitter. Criteria: Ambry Variant Classification Scheme 2023. Collection method: clinical testing. Allele origin: germline.

3billion
Classification: Likely benign for Agammaglobulinemia 8b, autosomal recessive. Last evaluated: 2024-09-20. Review status: criteria provided, single submitter. Criteria: ACMG Guidelines, 2015. Collection method: clinical testing. Allele origin: germline. Affected: no.
Comment: The homozygous variant was found in patients diagnosed with another variant in a different gene, with no symptoms related to the gene containing the homozygous variant.

Labcorp Genetics (formerly Invitae), Labcorp
Classification: Uncertain significance. Last evaluated: 2023-12-09. Review status: criteria provided, single submitter. Criteria: Invitae Variant Classification Sherloc (09022015). Collection method: clinical testing. Allele origin: germline.
Comment: This sequence change replaces glycine, which is neutral and non-polar, with serine, which is neutral and polar, at codon 254 of the TCF3 protein (p.Gly254Ser). This variant is present in population databases (rs759917180, gnomAD 0.02%). This variant has not been reported in the literature in individuals affected with TCF3-related conditions. Algorithms developed to predict the effect of missense changes on protein structure and function output the following: SIFT: "Not Available"; PolyPhen-2: "Benign"; Align-GVGD: "Not Available". The serine amino acid residue is found in multiple mammalian species, which suggests that this missense change does not adversely affect protein function. In summary, the available evidence is currently insufficient to determine the role of this variant in disease. Therefore, it has been classified as a Variant of Uncertain Significance.

NM_003200.5(TCF3):c.760G>A (p.Gly254Ser)

Gene: TCF3 (transcription factor 3; minus strand). Cytogenetic location: 19p13.3.
Variant type: single nucleotide variant.
Coding change: c.760G>A on transcript NM_003200.5 (MANE Select); coding-DNA position 760, G replaced by A.
Protein change: p.Gly254Ser; replaces glycine 254 with serine.
Molecular consequence: missense variant.
Genome position (GRCh38, 1-based): chr19:1,622,116, C>T on the plus strand (G>A on the coding strand, the complement: TCF3 is on the minus strand). VCF-style: chr19-1622116-C-T. GRCh37 (hg19) VCF-style: chr19-1622115-C-T.
Other names: c.760G>A, p.Gly254Ser (NM_001136139.4, NM_001351778.2, NM_001351779.2); c.760G>A (NM_003200.3); short protein forms G254S.
Identifiers: ClinVar variation 3007223 (VCV003007223.5), dbSNP rs759917180, ClinGen allele CA9050240.